The following is an entry in ClinVar:

NM_000256.3(MYBPC3):c.3044C>T (p.Ala1015Val)

Gene: MYBPC3 (myosin binding protein C3; minus strand). Cytogenetic location: 11p11.2.
Variant type: single nucleotide variant.
Coding change: c.3044C>T on transcript NM_000256.3 (MANE Select); coding-DNA position 3044, C replaced by T.
Protein change: p.Ala1015Val; replaces alanine 1015 with valine.
Molecular consequence: missense variant.
Genome position (GRCh38, 1-based): chr11:47,333,703, G>A on the plus strand (C>T on the coding strand, the complement: MYBPC3 is on the minus strand). VCF-style: chr11-47333703-G-A. GRCh37 (hg19) VCF-style: chr11-47355254-G-A.
Other names: short protein forms A1015V.
Identifiers: ClinVar variation 3069842 (VCV003069842.2), dbSNP rs2095879664, ClinGen allele CA380315484.

ClinVar aggregate classification (germline): Uncertain significance (1 of 4 stars; one submission).

Conditions:
Hypertrophic cardiomyopathy. Also called: HYPERTROPHIC MYOCARDIOPATHY. Identifiers: Orphanet 217569, MedGen C0007194, MeSH D002312, MONDO:0005045, HP:0001639.

Submission:

All of Us Research Program, National Institutes of Health
Classification: Uncertain significance for Hypertrophic cardiomyopathy. Last evaluated: 2024-07-29. Review status: criteria provided, single submitter. Criteria: ACMG Guidelines, 2015. Collection method: clinical testing. Allele origin: germline. Inheritance: Autosomal dominant inheritance. Observed: 2 variant alleles, 2 heterozygotes.
Comment: This missense variant replaces alanine with valine at codon 1015 of the MYBPC3 protein. Computational prediction suggests that this variant may not impact protein structure and function (internally defined REVEL score threshold <= 0.5, PMID: 27666373). To our knowledge, functional studies have not been reported for this variant. This variant has not been reported in individuals affected with MYBPC3-related disorders in the literature. This variant has not been identified in the general population by the Genome Aggregation Database (gnomAD). The available evidence is insufficient to determine the role of this variant in disease conclusively. Therefore, this variant is classified as a Variant of Uncertain Significance.

This study involves interpretation of variants in research participants for the purpose of population health screening. Participant phenotype was not available at the time of variant classification. Additional details can be found in publication PMID: 35346344, PMCID: PMC8962531